The following is an entry in ClinVar:

NM_006390.4(IPO8):c.1489A>G (p.Asn497Asp)

Gene: IPO8 (importin 8; minus strand). Cytogenetic location: 12p11.21.
Variant type: single nucleotide variant.
Coding change: c.1489A>G on transcript NM_006390.4 (MANE Select); coding-DNA position 1489, A replaced by G.
Protein change: p.Asn497Asp; replaces asparagine 497 with aspartic acid.
Molecular consequence: missense variant.
Genome position (GRCh38, 1-based): chr12:30,663,594, T>C on the plus strand (A>G on the coding strand, the complement: IPO8 is on the minus strand). VCF-style: chr12-30663594-T-C. GRCh37 (hg19) VCF-style: chr12-30816528-T-C.
Other names: c.874A>G, p.Asn292Asp (NM_001190995.2); short protein forms N497D, N292D.
Identifiers: ClinVar variation 4723320 (VCV004723320.1).

ClinVar aggregate classification (germline): Uncertain significance (1 of 4 stars; one submission).

gnomAD v4.1: 3 of 1,613,470 alleles (0.00019%); highest among the groups gnomAD compares: Non-Finnish European, 0.00025%; no homozygotes.

Submission:

Labcorp Genetics (formerly Invitae), Labcorp
Classification: Uncertain significance. Last evaluated: 2025-07-28. Review status: criteria provided, single submitter. Criteria: Invitae Variant Classification Sherloc (09022015). Collection method: clinical testing. Allele origin: germline.
Comment: This sequence change replaces asparagine, which is neutral and polar, with aspartic acid, which is acidic and polar, at codon 497 of the IPO8 protein (p.Asn497Asp). This variant is not present in population databases (gnomAD no frequency). This variant has not been reported in the literature in individuals affected with IPO8-related conditions. An algorithm developed to predict the effect of missense changes on protein structure and function (PolyPhen-2) suggests that this variant is likely to be tolerated. In summary, the available evidence is currently insufficient to determine the role of this variant in disease. Therefore, it has been classified as a Variant of Uncertain Significance.